The following is an entry in ClinVar:

NM_022114.4(PRDM16):c.2142G>A (p.Lys714=)

Gene: PRDM16 (PR/SET domain 16; plus strand). Cytogenetic location: 1p36.32.
Variant type: single nucleotide variant.
Coding change: c.2142G>A on transcript NM_022114.4 (MANE Select); coding-DNA position 2142, G replaced by A.
Protein change: p.Lys714=; no amino-acid change (lysine 714 retained).
Molecular consequence: synonymous variant.
Genome position (GRCh38, 1-based): chr1:3,412,339, G>A. VCF-style: chr1-3412339-G-A. GRCh37 (hg19) VCF-style: chr1-3328903-G-A.
Other names: c.2142G>A, p.Lys714= (NM_199454.3).
Identifiers: ClinVar variation 413867 (VCV000413867.43), dbSNP rs200167919, ClinGen allele CA544394.

ClinVar aggregate classification (germline): Benign/Likely benign. Review status: criteria provided, multiple submitters, no conflicts (2 of 4 stars). 9 submissions from 9 submitters: Benign (1); Likely benign (4). 4 of the submissions do not count toward it. Last evaluated 2026-01-21.

Conditions:
PRDM16-related disorder. Also called: PRDM16-related condition.
Left ventricular noncompaction 8 (LVNC8). Identifiers: Orphanet 154, Orphanet 54260, MedGen C3809288, MONDO:0014152, OMIM 615373.

Allele frequency attached by ClinVar (database versions not stated): ESP Exome Variant Server 0.00032; gnomAD 0.00041 and 0.00044; gnomAD exomes 0.00042 and 0.00050; ExAC 0.00050; TOPMed 0.00052; 1000 Genomes Project 0.00080; 1000 Genomes Project 30x 0.00094.
gnomAD v4.1: 672 of 1,613,792 alleles (0.042%); highest among the groups gnomAD compares: Admixed American, 0.1%; 1 homozygote.

Submissions (9):

Labcorp Genetics (formerly Invitae), Labcorp
Classification: Likely benign for Left ventricular noncompaction 8. Last evaluated: 2026-01-21. Review status: criteria provided, single submitter. Criteria: Invitae Variant Classification Sherloc (09022015). Collection method: clinical testing. Allele origin: germline.

Blueprint Genetics
Classification: Likely benign. Last evaluated: 2024-10-07. Review status: criteria provided, single submitter. Criteria: ACMG Guidelines, 2015. Collection method: clinical testing. Allele origin: germline.

Women's Health and Genetics/Laboratory Corporation of America, LabCorp
Classification: Benign. Last evaluated: 2023-08-19. Review status: criteria provided, single submitter. Criteria: LabCorp Variant Classification Summary - May 2015. Collection method: clinical testing. Allele origin: germline.

CeGaT Center for Human Genetics Tuebingen
Classification: Likely benign. Last evaluated: 2023-05-01. Review status: criteria provided, single submitter. Criteria: CeGaT Center For Human Genetics Tuebingen Variant Classification Criteria Version 2. Collection method: clinical testing. Allele origin: germline. Affected: yes. Observed: 2 variant alleles.
Comment: PRDM16: BP4, BP7

GeneDx
Classification: Likely benign. Last evaluated: 2019-05-14. Review status: criteria provided, single submitter. Criteria: GeneDx Variant Classification Process June 2021. Collection method: clinical testing. Allele origin: germline. Affected: yes.

PreventionGenetics, part of Exact Sciences
Classification: Likely benign for PRDM16-related condition. Last evaluated: 2019-06-13. Review status: no assertion criteria provided. Collection method: clinical testing. Allele origin: germline. Not counted in ClinVar's aggregate classification.
Comment: This variant is classified as likely benign based on ACMG/AMP sequence variant interpretation guidelines (Richards et al. 2015 PMID: 25741868, with internal and published modifications).

Clinical Genetics DNA and cytogenetics Diagnostics Lab, Erasmus MC, Erasmus Medical Center
Classification: Likely benign. Review status: no assertion criteria provided. Collection method: clinical testing. Allele origin: germline. Affected: yes. Study: VKGL Data-share Consensus. Not counted in ClinVar's aggregate classification.

Clinical Genetics, Academic Medical Center
Classification: Benign. Review status: no assertion criteria provided. Collection method: clinical testing. Allele origin: germline. Affected: yes. Study: VKGL Data-share Consensus. Not counted in ClinVar's aggregate classification.

Joint Genome Diagnostic Labs from Nijmegen and Maastricht, Radboudumc and MUMC+
Classification: Likely benign. Review status: no assertion criteria provided. Collection method: clinical testing. Allele origin: germline. Affected: yes. Study: VKGL Data-share Consensus. Not counted in ClinVar's aggregate classification.